The following is an entry in ClinVar:

NM_018670.4(MESP1):c.553C>T (p.Gln185Ter)

Genes: MESP1 (mesoderm posterior bHLH transcription factor 1; minus strand), LOC130057888 (ATAC-STARR-seq lymphoblastoid silent region 6803; plus strand). Cytogenetic location: 15q26.1.
Variant type: single nucleotide variant.
Coding change: c.553C>T on transcript NM_018670.4 (MANE Select); coding-DNA position 553, C replaced by T.
Protein change: p.Gln185Ter; replaces glutamine 185 with a stop codon.
Molecular consequence: nonsense.
Genome position (GRCh38, 1-based): chr15:89,750,679, G>A on the plus strand (C>T on the coding strand, the complement: MESP1 is on the minus strand). VCF-style: chr15-89750679-G-A. GRCh37 (hg19) VCF-style: chr15-90293910-G-A.
Other names: short protein forms Q185*.
Identifiers: ClinVar variation 4752464 (VCV004752464.1).

ClinVar aggregate classification (germline): Uncertain significance (1 of 4 stars; one submission).

gnomAD v4.1: 47 of 1,359,368 alleles (0.0035%); highest among the groups gnomAD compares: East Asian, 0.13%; no homozygotes.

Submission:

Labcorp Genetics (formerly Invitae), Labcorp
Classification: Uncertain significance. Last evaluated: 2025-05-22. Review status: criteria provided, single submitter. Criteria: Invitae Variant Classification Sherloc (09022015). Collection method: clinical testing. Allele origin: germline.
Comment: This sequence change creates a premature translational stop signal (p.Gln185*) in the MESP1 gene. It is expected to result in an absent or disrupted protein product. However, the current clinical and genetic evidence is not sufficient to establish whether loss-of-function variants in MESP1 cause disease. This variant is present in population databases (rs758299183, gnomAD 0.2%). This variant has not been reported in the literature in individuals affected with MESP1-related conditions. In summary, the available evidence is currently insufficient to determine the role of this variant in disease. Therefore, it has been classified as a Variant of Uncertain Significance.